The following is an entry in ClinVar:

NM_004135.4(IDH3G):c.1080+18C>T

Gene: IDH3G (isocitrate dehydrogenase (NAD(+)) 3 non-catalytic subunit gamma; minus strand). Cytogenetic location: Xq28.
Variant type: single nucleotide variant.
Coding change: c.1080+18C>T on transcript NM_004135.4 (MANE Select); 18 bases into the intron after coding-DNA position 1080, C replaced by T.
Molecular consequence: intron variant. On other transcripts: synonymous variant (1).
Genome position (GRCh38, 1-based): chrX:153,786,194, G>A on the plus strand (C>T on the coding strand, the complement: IDH3G is on the minus strand). VCF-style: chrX-153786194-G-A. GRCh37 (hg19) VCF-style: chrX-153051649-G-A.
Other names: c.1098C>T, p.His366= (NM_174869.3).
Identifiers: ClinVar variation 2661733 (VCV002661733.24), dbSNP rs2520430671, ClinGen allele CA2695197205.

ClinVar aggregate classification (germline): Likely benign (1 of 4 stars; one submission).

Submission:

CeGaT Center for Human Genetics Tuebingen
Classification: Likely benign. Last evaluated: 2022-10-01. Review status: criteria provided, single submitter. Criteria: CeGaT Center For Human Genetics Tuebingen Variant Classification Criteria Version 2. Collection method: clinical testing. Allele origin: germline. Affected: yes. Observed: 1 variant allele.
Comment: IDH3G: PM2:Supporting, BP4, BP7